The following is an entry in ClinVar:

NM_015978.3(TNNI3K):c.2423A>T (p.Asp808Val)

Genes: FPGT-TNNI3K (FPGT-TNNI3K readthrough; plus strand), TNNI3K (TNNI3 interacting kinase; plus strand). Cytogenetic location: 1p31.1.
Variant type: single nucleotide variant.
Coding change: c.2423A>T on transcript NM_015978.3 (MANE Select); coding-DNA position 2423, A replaced by T.
Protein change: p.Asp808Val; replaces aspartic acid 808 with valine.
Molecular consequence: missense variant.
Genome position (GRCh38, 1-based): chr1:74,540,305, A>T. VCF-style: chr1-74540305-A-T. GRCh37 (hg19) VCF-style: chr1-75005989-A-T.
Other names: c.2726A>T, p.Asp909Val (NM_001112808.3); short protein forms D808V, D909V.
Identifiers: ClinVar variation 2123988 (VCV002123988.4), dbSNP rs2525222176, ClinGen allele CA340799329.

ClinVar aggregate classification (germline): Uncertain significance (1 of 4 stars; one submission).

Allele frequency attached by ClinVar (database versions not stated): gnomAD exomes 0.00001.
gnomAD v4.1: 11 of 1,611,470 alleles (0.00068%); highest among the groups gnomAD compares: Non-Finnish European, 0.00093%; no homozygotes.

Submission:

Labcorp Genetics (formerly Invitae), Labcorp
Classification: Uncertain significance. Last evaluated: 2022-04-10. Review status: criteria provided, single submitter. Criteria: Invitae Variant Classification Sherloc (09022015). Collection method: clinical testing. Allele origin: germline.
Comment: In summary, the available evidence is currently insufficient to determine the role of this variant in disease. Therefore, it has been classified as a Variant of Uncertain Significance. Algorithms developed to predict the effect of missense changes on protein structure and function are either unavailable or do not agree on the potential impact of this missense change (SIFT: "Deleterious"; PolyPhen-2: "Probably Damaging"; Align-GVGD: "Class C0"). This variant has not been reported in the literature in individuals affected with TNNI3K-related conditions. This variant is not present in population databases (gnomAD no frequency). This sequence change replaces aspartic acid, which is acidic and polar, with valine, which is neutral and non-polar, at codon 808 of the TNNI3K protein (p.Asp808Val).